The following is an entry in ClinVar:

NM_001243279.3(ACSF3):c.1367-13C>G

Gene: ACSF3 (acyl-CoA synthetase family member 3; plus strand). Cytogenetic location: 16q24.3.
Variant type: single nucleotide variant.
Coding change: c.1367-13C>G on transcript NM_001243279.3 (MANE Select); 13 bases into the intron before coding-DNA position 1367, C replaced by G.
Molecular consequence: intron variant. On other transcripts: non-coding transcript variant (1).
Genome position (GRCh38, 1-based): chr16:89,145,254, C>G. VCF-style: chr16-89145254-C-G. GRCh37 (hg19) VCF-style: chr16-89211662-C-G.
Other names: p.?; c.1367-13C>G (NM_001127214.4, NM_174917.5); c.572-13C>G (NM_001284316.2).
Identifiers: ClinVar variation 136267 (VCV000136267.13), dbSNP rs140859425, ClinGen allele CA289266.

ClinVar aggregate classification (germline): Benign. Review status: criteria provided, multiple submitters, no conflicts (2 of 4 stars). 4 submissions from 4 submitters: Benign (4). Last evaluated 2026-02-04.

Conditions:
Combined malonic and methylmalonic acidemia. Identifiers: Orphanet 289504, MedGen C3280314, MONDO:0013661, OMIM 614265.

Allele frequency attached by ClinVar (database versions not stated): ESP Exome Variant Server 0.01716; TOPMed 0.02082; gnomAD 0.02493 and 0.02699; ExAC 0.03319; 1000 Genomes Project 30x 0.05059; gnomAD exomes 0.03251; 1000 Genomes Project 0.05491.
gnomAD v4.1: 32,706 of 1,613,670 alleles (2%); highest among the groups gnomAD compares: East Asian, 12%; 862 homozygotes.

Submissions 1 to 32 of 53:

Labcorp Genetics (formerly Invitae), Labcorp
Classification: Benign for Combined malonic and methylmalonic acidemia. Last evaluated: 2026-02-04. Review status: criteria provided, single submitter. Criteria: Invitae Variant Classification Sherloc (09022015). Collection method: clinical testing. Allele origin: germline.

Mayo Clinic Laboratories, Mayo Clinic
Classification: Benign. Last evaluated: 2023-05-05. Review status: criteria provided, single submitter. Criteria: ACMG Guidelines, 2015. Collection method: clinical testing. Allele origin: germline. Observed: 3 variant alleles.

GeneDx
Classification: Benign. Last evaluated: 2013-12-19. Review status: criteria provided, single submitter. Criteria: GeneDx Variant Classification (06012015). Collection method: clinical testing. Allele origin: germline. Affected: yes.
Comment: This variant is considered likely benign or benign based on one or more of the following criteria: it is a conservative change, it occurs at a poorly conserved position in the protein, it is predicted to be benign by multiple in silico algorithms, and/or has population frequency not consistent with disease.

Breakthrough Genomics
Classification: Benign. Review status: criteria provided, single submitter. Criteria: ACMG Guidelines, 2015. Collection method: not provided. Allele origin: germline. Inheritance: Unknown mechanism. Affected: yes.

Dr. Peter K. Rogan Lab, Western University
No classification provided (evidence only). Condition: Lung cancer. Review status: no classification provided. Collection method: in vitro. Allele origin: not applicable. Functional consequence: retained intron. Not counted in ClinVar's aggregate classification.

Dr. Peter K. Rogan Lab, Western University
No classification provided (evidence only). Condition: Melanoma. Review status: no classification provided. Collection method: in vitro. Allele origin: not applicable. Functional consequence: retained intron. Not counted in ClinVar's aggregate classification.

Dr. Peter K. Rogan Lab, Western University
No classification provided (evidence only). Condition: Melanoma. Review status: no classification provided. Collection method: in vitro. Allele origin: not applicable. Functional consequence: retained intron. Not counted in ClinVar's aggregate classification.

Dr. Peter K. Rogan Lab, Western University
No classification provided (evidence only). Condition: Melanoma. Review status: no classification provided. Collection method: in vitro. Allele origin: not applicable. Functional consequence: retained intron. Not counted in ClinVar's aggregate classification.

Dr. Peter K. Rogan Lab, Western University
No classification provided (evidence only). Condition: Melanoma. Review status: no classification provided. Collection method: in vitro. Allele origin: not applicable. Functional consequence: retained intron. Not counted in ClinVar's aggregate classification.

Dr. Peter K. Rogan Lab, Western University
No classification provided (evidence only). Condition: Melanoma. Review status: no classification provided. Collection method: in vitro. Allele origin: not applicable. Functional consequence: retained intron. Not counted in ClinVar's aggregate classification.

Dr. Peter K. Rogan Lab, Western University
No classification provided (evidence only). Condition: Melanoma. Review status: no classification provided. Collection method: in vitro. Allele origin: not applicable. Functional consequence: retained intron. Not counted in ClinVar's aggregate classification.

Dr. Peter K. Rogan Lab, Western University
No classification provided (evidence only). Condition: Familial cancer of breast. Review status: no classification provided. Collection method: in vitro. Allele origin: not applicable. Functional consequence: retained intron. Not counted in ClinVar's aggregate classification.

Dr. Peter K. Rogan Lab, Western University
No classification provided (evidence only). Condition: Familial cancer of breast. Review status: no classification provided. Collection method: in vitro. Allele origin: not applicable. Functional consequence: retained intron. Not counted in ClinVar's aggregate classification.

Dr. Peter K. Rogan Lab, Western University
No classification provided (evidence only). Condition: Familial cancer of breast. Review status: no classification provided. Collection method: in vitro. Allele origin: not applicable. Functional consequence: retained intron. Not counted in ClinVar's aggregate classification.

Dr. Peter K. Rogan Lab, Western University
No classification provided (evidence only). Condition: Familial cancer of breast. Review status: no classification provided. Collection method: in vitro. Allele origin: not applicable. Functional consequence: retained intron. Not counted in ClinVar's aggregate classification.

Dr. Peter K. Rogan Lab, Western University
No classification provided (evidence only). Condition: Familial cancer of breast. Review status: no classification provided. Collection method: in vitro. Allele origin: not applicable. Functional consequence: retained intron. Not counted in ClinVar's aggregate classification.

Dr. Peter K. Rogan Lab, Western University
No classification provided (evidence only). Condition: Acute myeloid leukemia. Review status: no classification provided. Collection method: in vitro. Allele origin: not applicable. Functional consequence: retained intron. Not counted in ClinVar's aggregate classification.

Dr. Peter K. Rogan Lab, Western University
No classification provided (evidence only). Condition: Acute myeloid leukemia. Review status: no classification provided. Collection method: in vitro. Allele origin: not applicable. Functional consequence: retained intron. Not counted in ClinVar's aggregate classification.

Dr. Peter K. Rogan Lab, Western University
No classification provided (evidence only). Condition: Acute myeloid leukemia. Review status: no classification provided. Collection method: in vitro. Allele origin: not applicable. Functional consequence: retained intron. Not counted in ClinVar's aggregate classification.

Dr. Peter K. Rogan Lab, Western University
No classification provided (evidence only). Condition: Acute myeloid leukemia. Review status: no classification provided. Collection method: in vitro. Allele origin: not applicable. Functional consequence: retained intron. Not counted in ClinVar's aggregate classification.

Dr. Peter K. Rogan Lab, Western University
No classification provided (evidence only). Condition: Uterine corpus endometrial carcinoma. Review status: no classification provided. Collection method: in vitro. Allele origin: not applicable. Functional consequence: retained intron. Not counted in ClinVar's aggregate classification.

Dr. Peter K. Rogan Lab, Western University
No classification provided (evidence only). Condition: Uterine corpus endometrial carcinoma. Review status: no classification provided. Collection method: in vitro. Allele origin: not applicable. Functional consequence: retained intron. Not counted in ClinVar's aggregate classification.

Dr. Peter K. Rogan Lab, Western University
No classification provided (evidence only). Condition: Uterine corpus endometrial carcinoma. Review status: no classification provided. Collection method: in vitro. Allele origin: not applicable. Functional consequence: retained intron. Not counted in ClinVar's aggregate classification.

Dr. Peter K. Rogan Lab, Western University
No classification provided (evidence only). Condition: Sarcoma. Review status: no classification provided. Collection method: in vitro. Allele origin: not applicable. Functional consequence: retained intron. Not counted in ClinVar's aggregate classification.

Dr. Peter K. Rogan Lab, Western University
No classification provided (evidence only). Condition: Sarcoma. Review status: no classification provided. Collection method: in vitro. Allele origin: not applicable. Functional consequence: retained intron. Not counted in ClinVar's aggregate classification.

Dr. Peter K. Rogan Lab, Western University
No classification provided (evidence only). Condition: Malignant lymphoma, large B-cell, diffuse. Review status: no classification provided. Collection method: in vitro. Allele origin: not applicable. Functional consequence: retained intron. Not counted in ClinVar's aggregate classification.

Dr. Peter K. Rogan Lab, Western University
No classification provided (evidence only). Condition: Malignant lymphoma, large B-cell, diffuse. Review status: no classification provided. Collection method: in vitro. Allele origin: not applicable. Functional consequence: retained intron. Not counted in ClinVar's aggregate classification.

Dr. Peter K. Rogan Lab, Western University
No classification provided (evidence only). Condition: Malignant lymphoma, large B-cell, diffuse. Review status: no classification provided. Collection method: in vitro. Allele origin: not applicable. Functional consequence: retained intron. Not counted in ClinVar's aggregate classification.

Dr. Peter K. Rogan Lab, Western University
No classification provided (evidence only). Condition: Malignant lymphoma, large B-cell, diffuse. Review status: no classification provided. Collection method: in vitro. Allele origin: not applicable. Functional consequence: retained intron. Not counted in ClinVar's aggregate classification.

Dr. Peter K. Rogan Lab, Western University
No classification provided (evidence only). Condition: Malignant lymphoma, large B-cell, diffuse. Review status: no classification provided. Collection method: in vitro. Allele origin: not applicable. Functional consequence: retained intron. Not counted in ClinVar's aggregate classification.

Dr. Peter K. Rogan Lab, Western University
No classification provided (evidence only). Condition: Malignant lymphoma, large B-cell, diffuse. Review status: no classification provided. Collection method: in vitro. Allele origin: not applicable. Functional consequence: retained intron. Not counted in ClinVar's aggregate classification.

Dr. Peter K. Rogan Lab, Western University
No classification provided (evidence only). Condition: Thymoma. Review status: no classification provided. Collection method: in vitro. Allele origin: not applicable. Functional consequence: retained intron. Not counted in ClinVar's aggregate classification.